The following is an entry in ClinVar:

NM_016011.5(MECR):c.541C>T (p.Leu181=)

Gene: MECR (mitochondrial trans-2-enoyl-CoA reductase; minus strand). Cytogenetic location: 1p35.3.
Variant type: single nucleotide variant.
Coding change: c.541C>T on transcript NM_016011.5 (MANE Select); coding-DNA position 541, C replaced by T.
Protein change: p.Leu181=; no amino-acid change (leucine 181 retained).
Molecular consequence: synonymous variant. On other transcripts: non-coding transcript variant (4).
Genome position (GRCh38, 1-based): chr1:29,206,771, G>A on the plus strand (C>T on the coding strand, the complement: MECR is on the minus strand). VCF-style: chr1-29206771-G-A. GRCh37 (hg19) VCF-style: chr1-29533283-G-A.
Other names: c.313C>T, p.Leu105= (NM_001024732.4, NM_001349711.2, NM_001349712.2 and 2 more transcripts); c.646C>T, p.Leu216= (NM_001349715.2); c.625C>T, p.Leu209= (NM_001349716.2); c.391C>T, p.Leu131= (NM_001349717.2).
Identifiers: ClinVar variation 2909336 (VCV002909336.4), dbSNP rs768531788, ClinGen allele CA725777.

ClinVar aggregate classification (germline): Conflicting classifications of pathogenicity. Review status: criteria provided, conflicting classifications (1 of 4 stars). 2 submissions from 2 submitters: Uncertain significance (1); Likely benign (1). Last evaluated 2026-08-01.

Allele frequency attached by ClinVar (database versions not stated): ExAC 0.00002; gnomAD 0.00003; gnomAD exomes 0.00003; TOPMed 0.00003.
gnomAD v4.1: 50 of 1,613,986 alleles (0.0031%); highest among the groups gnomAD compares: Non-Finnish European, 0.0037%; no homozygotes.

Submissions (2):

CeGaT Center for Human Genetics Tuebingen
Classification: Uncertain significance. Last evaluated: 2026-08-01. Review status: criteria provided, single submitter. Criteria: CeGaT Center For Human Genetics Tuebingen Variant Classification Criteria Version 2. Collection method: clinical testing. Allele origin: germline. Affected: yes. Observed: 1 variant allele.
Comment: MECR: PM2:Supporting, BP4

Labcorp Genetics (formerly Invitae), Labcorp
Classification: Likely benign. Last evaluated: 2025-02-11. Review status: criteria provided, single submitter. Criteria: Invitae Variant Classification Sherloc (09022015). Collection method: clinical testing. Allele origin: germline.